The following is an entry in ClinVar:

ClinVar aggregate classification (germline): Uncertain significance (1 of 4 stars; one submission).

Conditions:
Hereditary hyperferritinemia with congenital cataracts. Also called: Hereditary hyperferritinemia cataract syndrome; Bonneau-Beaumont syndrome; HYPERFERRITINEMIA WITH OR WITHOUT CATARACT. Identifiers: Orphanet 163, MedGen C1833213, MONDO:0010952, OMIM 600886.
Neuroferritinopathy (NBIA3). Also called: NEURODEGENERATION WITH BRAIN IRON ACCUMULATION 3; BASAL GANGLIA DISEASE, ADULT-ONSET. Identifiers: Orphanet 157846, MedGen C1853578, MONDO:0011638, OMIM 606159.

Submission:

Labcorp Genetics (formerly Invitae), Labcorp
Classification: Uncertain significance for Neuroferritinopathy; Hereditary hyperferritinemia with congenital cataracts. Last evaluated: 2024-02-17. Review status: criteria provided, single submitter. Criteria: Invitae Variant Classification Sherloc (09022015). Collection method: clinical testing. Allele origin: germline.
Comment: This variant occurs in a non-coding region of the FTL gene. It does not change the encoded amino acid sequence of the FTL protein. This variant is not present in population databases (gnomAD no frequency). This variant has not been reported in the literature in individuals affected with FTL-related conditions. In summary, the available evidence is currently insufficient to determine the role of this variant in disease. Therefore, it has been classified as a Variant of Uncertain Significance.

NC_000019.10:g.48965260T>G

Genes: FTL (ferritin light chain; plus strand), LOC130064891 (ATAC-STARR-seq lymphoblastoid silent region 10909; plus strand). Cytogenetic location: 19q13.33.
Variant type: single nucleotide variant.
Genome position: GRCh38 VCF-style: chr19-48965260-T-G. GRCh37 (hg19) VCF-style: chr19-49468517-T-G.
Identifiers: ClinVar variation 3760871 (VCV003760871.2).
Genomic context (GRCh38, chr19:48,965,260, plus strand): 5'-CCTTCGGCCCCGCCTCCTGCCACCGCAGATTGGCCGCTAGCCCTCCCCGAGCGCCCTGCC[T>G]CCGAGGGCCGGCGCACCATAAAAGAAGCCGCCCTAGCCACGTCCCCTCGCAGTTCGGCGG-3'